The following is an entry in ClinVar:

NM_006206.6(PDGFRA):c.*3G>A

Gene: PDGFRA (platelet derived growth factor receptor alpha; plus strand). Cytogenetic location: 4q12.
Variant type: single nucleotide variant.
Coding change: c.*3G>A on transcript NM_006206.6 (MANE Select); 3 bases downstream of the stop codon, G replaced by A.
Molecular consequence: 3 prime UTR variant.
Genome position (GRCh38, 1-based): chr4:54,295,275, G>A. VCF-style: chr4-54295275-G-A. GRCh37 (hg19) VCF-style: chr4-55161442-G-A.
Other names: c.*3G>A (NM_001347828.2, NM_001347829.2, NM_001347830.2).
Identifiers: ClinVar variation 4875977 (VCV004875977.1).

ClinVar aggregate classification (germline): Benign (1 of 4 stars; one submission).

Conditions:
Polyps, multiple and recurrent inflammatory fibroid, gastrointestinal. Identifiers: MedGen C5193005, MONDO:0008285, OMIM 175510.

Submission:

Myriad Genetics, Inc.
Classification: Benign for Polyps, multiple and recurrent inflammatory fibroid, gastrointestinal. Last evaluated: 2026-06-18. Review status: criteria provided, single submitter. Criteria: Myriad Autosomal Dominant, Autosomal Recessive and X-Linked Classification Criteria (2023). Collection method: clinical testing. Allele origin: unknown.
Comment: This variant is considered benign. This variant occurs in the non-coding 3' untranslated region of the gene, and is not expected to impact protein function.